The following is an entry in ClinVar:

ClinVar aggregate classification (germline): Uncertain significance (1 of 4 stars; one submission).

Conditions:
Hereditary cancer-predisposing syndrome. Also called: Neoplastic Syndromes, Hereditary; Tumor predisposition; Hereditary Cancer Syndrome; Hereditary neoplastic syndrome. Identifiers: Orphanet 140162, MedGen C0027672, MeSH D009386, MONDO:0015356.
Cardiovascular phenotype. Identifiers: MedGen CN230736.

Submission:

Ambry Genetics
Classification: Uncertain significance for Cardiovascular phenotype; Hereditary cancer-predisposing syndrome. Last evaluated: 2022-01-27. Review status: criteria provided, single submitter. Criteria: Ambry Variant Classification Scheme 2023. Collection method: clinical testing. Allele origin: germline.
Comment: The p.H2571D variant (also known as c.7711C>G), located in coding exon 52 of the NF1 gene, results from a C to G substitution at nucleotide position 7711. The histidine at codon 2571 is replaced by aspartic acid, an amino acid with similar properties. This amino acid position is conserved. In addition, this alteration is predicted to be tolerated by in silico analysis. Since supporting evidence is limited at this time, the clinical significance of this alteration remains unclear.

NM_001042492.3(NF1):c.7774C>G (p.His2592Asp)

Gene: NF1 (neurofibromin 1; plus strand). Cytogenetic location: 17q11.2.
Variant type: single nucleotide variant.
Coding change: c.7774C>G on transcript NM_001042492.3 (MANE Select); coding-DNA position 7774, C replaced by G.
Protein change: p.His2592Asp; replaces histidine 2592 with aspartic acid.
Molecular consequence: missense variant.
Genome position (GRCh38, 1-based): chr17:31,356,995, C>G. VCF-style: chr17-31356995-C-G. GRCh37 (hg19) VCF-style: chr17-29684013-C-G.
Other names: c.7711C>G, p.His2571Asp (NM_000267.4); short protein forms H2571D, H2592D.
Identifiers: ClinVar variation 1760269 (VCV001760269.2), dbSNP rs749460130, ClinGen allele CA399018422.